The following is an entry in ClinVar:

ClinVar aggregate classification (germline): Uncertain significance (1 of 4 stars; one submission).

Conditions:
Wolman disease (WOLD). Also called: Acid cholesteryl ester hydrolase deficiency, Wolman type; Acid lipase disease; Wolman disease, CESD; Wolman disease with hypolipoproteinemia and acanthocytosis; LYSOSOMAL ACID LIPASE DEFICIENCY, ACUTE INFANTILE; LYSOSOMAL ACID LIPASE DEFICIENCY, COMPLETE. Identifiers: Orphanet 75233, MedGen C0043208, MONDO:0019148, OMIM 620151.

Allele frequency attached by ClinVar (database versions not stated): gnomAD exomes 0.00001; TOPMed 0.00001; ExAC 0.00003.
gnomAD v4.1: 12 of 1,611,750 alleles (0.00074%); highest among the groups gnomAD compares: Admixed American, 0.017%; no homozygotes.

Submission:

Labcorp Genetics (formerly Invitae), Labcorp
Classification: Uncertain significance for Wolman disease. Last evaluated: 2022-08-15. Review status: criteria provided, single submitter. Criteria: Invitae Variant Classification Sherloc (09022015). Collection method: clinical testing. Allele origin: germline.
Comment: This sequence change replaces alanine, which is neutral and non-polar, with threonine, which is neutral and polar, at codon 314 of the LIPA protein (p.Ala314Thr). This variant is present in population databases (rs766842043, gnomAD 0.02%). This variant has not been reported in the literature in individuals affected with LIPA-related conditions. Algorithms developed to predict the effect of missense changes on protein structure and function output the following: SIFT: "Tolerated"; PolyPhen-2: "Benign"; Align-GVGD: "Class C0". The threonine amino acid residue is found in multiple mammalian species, which suggests that this missense change does not adversely affect protein function. In summary, the available evidence is currently insufficient to determine the role of this variant in disease. Therefore, it has been classified as a Variant of Uncertain Significance.

NM_000235.4(LIPA):c.940G>A (p.Ala314Thr)

Gene: LIPA (lipase A, lysosomal acid type; minus strand). Cytogenetic location: 10q23.31.
Variant type: single nucleotide variant.
Coding change: c.940G>A on transcript NM_000235.4 (MANE Select); coding-DNA position 940, G replaced by A.
Protein change: p.Ala314Thr; replaces alanine 314 with threonine.
Molecular consequence: missense variant.
Genome position (GRCh38, 1-based): chr10:89,215,964, C>T on the plus strand (G>A on the coding strand, the complement: LIPA is on the minus strand). VCF-style: chr10-89215964-C-T. GRCh37 (hg19) VCF-style: chr10-90975721-C-T.
Other names: c.940G>A, p.Ala314Thr (NM_001127605.3); c.592G>A, p.Ala198Thr (NM_001288979.2); short protein forms A198T, A314T.
Identifiers: ClinVar variation 2174604 (VCV002174604.1), dbSNP rs766842043, ClinGen allele CA5593563.
Genomic context (GRCh38, chr10:89,215,964, plus strand): 5'-GGGCCCCCTTTAATGAAAAGACTAAAAACTTTACCTGGTTGTAATGAAAATAATTCTTGG[C>T]ACTGCTTCCCCAGTCAAAGGCTTGAAACTTTTGGAATTTAACAGCCTAAAAAGAAGATAA-3'
Protein context (NP_000226.2, residues 304-324): KFQAFDWGSS[Ala314Thr]KNYFHYNQSY